The following is an entry in ClinVar:

ClinVar aggregate classification (germline): Uncertain significance. Review status: criteria provided, multiple submitters, no conflicts (2 of 4 stars). 2 submissions from 2 submitters: Uncertain significance (2). Last evaluated 2025-07-01.

Conditions:
Early-infantile DEE. Also called: Early infantile epileptic encephalopathy; Ohtahara syndrome; Early infantile epileptic encephalopathy with suppression bursts. Identifiers: Orphanet 1934, MedGen C0393706, MONDO:0800491.

Allele frequency attached by ClinVar (database versions not stated): gnomAD exomes below 0.00001.
gnomAD v4.1: 1 of 1,611,918 alleles (0.000062%); highest among the groups gnomAD compares: Admixed American, 0.0017%; no homozygotes.

Submissions (2):

CeGaT Center for Human Genetics Tuebingen
Classification: Uncertain significance. Last evaluated: 2025-07-01. Review status: criteria provided, single submitter. Criteria: CeGaT Center For Human Genetics Tuebingen Variant Classification Criteria Version 2. Collection method: clinical testing. Allele origin: germline. Affected: yes. Observed: 2 variant alleles.
Comment: HCN1: PM2, PP2, PP3

Labcorp Genetics (formerly Invitae), Labcorp
Classification: Uncertain significance for Early-infantile DEE. Last evaluated: 2022-08-16. Review status: criteria provided, single submitter. Criteria: Invitae Variant Classification Sherloc (09022015). Collection method: clinical testing. Allele origin: germline.
Comment: Advanced modeling of protein sequence and biophysical properties (such as structural, functional, and spatial information, amino acid conservation, physicochemical variation, residue mobility, and thermodynamic stability) performed at Invitae indicates that this missense variant is expected to disrupt HCN1 protein function. In summary, the available evidence is currently insufficient to determine the role of this variant in disease. Therefore, it has been classified as a Variant of Uncertain Significance. ClinVar contains an entry for this variant (Variation ID: 461359). This variant has not been reported in the literature in individuals affected with HCN1-related conditions. This variant is present in population databases (no rsID available, gnomAD 0.003%). This sequence change replaces glutamic acid, which is acidic and polar, with lysine, which is basic and polar, at codon 446 of the HCN1 protein (p.Glu446Lys).

NM_021072.4(HCN1):c.1336G>A (p.Glu446Lys)

Gene: HCN1 (hyperpolarization activated cyclic nucleotide gated potassium channel 1; minus strand). Cytogenetic location: 5p12.
Variant type: single nucleotide variant.
Coding change: c.1336G>A on transcript NM_021072.4 (MANE Select); coding-DNA position 1336, G replaced by A.
Protein change: p.Glu446Lys; replaces glutamic acid 446 with lysine.
Molecular consequence: missense variant.
Genome position (GRCh38, 1-based): chr5:45,353,141, C>T on the plus strand (G>A on the coding strand, the complement: HCN1 is on the minus strand). VCF-style: chr5-45353141-C-T. GRCh37 (hg19) VCF-style: chr5-45353243-C-T.
Other names: short protein forms E446K.
Identifiers: ClinVar variation 461359 (VCV000461359.19), dbSNP rs1234068441, ClinGen allele CA359702041.